The following is an entry in ClinVar:

NM_017999.5(RNF31):c.3136C>T (p.Pro1046Ser)

Gene: RNF31 (ring finger protein 31; plus strand). Cytogenetic location: 14q12.
Variant type: single nucleotide variant.
Coding change: c.3136C>T on transcript NM_017999.5 (MANE Select); coding-DNA position 3136, C replaced by T.
Protein change: p.Pro1046Ser; replaces proline 1046 with serine.
Molecular consequence: missense variant.
Genome position (GRCh38, 1-based): chr14:24,160,378, C>T. VCF-style: chr14-24160378-C-T. GRCh37 (hg19) VCF-style: chr14-24629587-C-T.
Other names: c.2683C>T, p.Pro895Ser (NM_001310332.2); short protein forms P895S, P1046S.
Identifiers: ClinVar variation 1382409 (VCV001382409.6), dbSNP rs2038428243, ClinGen allele CA389196342.

ClinVar aggregate classification (germline): Uncertain significance (1 of 4 stars; one submission).

Allele frequency attached by ClinVar (database versions not stated): gnomAD exomes below 0.00001.
gnomAD v4.1: 1 of 1,614,148 alleles (0.000062%); highest among the groups gnomAD compares: Admixed American, 0.0017%; no homozygotes.

Submission:

Labcorp Genetics (formerly Invitae), Labcorp
Classification: Uncertain significance. Last evaluated: 2021-09-20. Review status: criteria provided, single submitter. Criteria: Invitae Variant Classification Sherloc (09022015). Collection method: clinical testing. Allele origin: germline.
Comment: In summary, the available evidence is currently insufficient to determine the role of this variant in disease. Therefore, it has been classified as a Variant of Uncertain Significance. Algorithms developed to predict the effect of missense changes on protein structure and function (SIFT, PolyPhen-2, Align-GVGD) all suggest that this variant is likely to be tolerated. This variant has not been reported in the literature in individuals affected with RNF31-related conditions. This variant is not present in population databases (ExAC no frequency). This sequence change replaces proline with serine at codon 1046 of the RNF31 protein (p.Pro1046Ser). The proline residue is weakly conserved and there is a moderate physicochemical difference between proline and serine.